The following is an entry in ClinVar:

ClinVar aggregate classification (germline): Uncertain significance (1 of 4 stars; one submission).

Conditions:
Bardet-Biedl syndrome (BBS). Identifiers: Orphanet 110, MedGen C0752166, MONDO:0015229.

Submission:

Labcorp Genetics (formerly Invitae), Labcorp
Classification: Uncertain significance for Bardet-Biedl syndrome. Last evaluated: 2022-07-26. Review status: criteria provided, single submitter. Criteria: Invitae Variant Classification Sherloc (09022015). Collection method: clinical testing. Allele origin: germline.
Comment: This variant has not been reported in the literature in individuals affected with BBS2-related conditions. In summary, the available evidence is currently insufficient to determine the role of this variant in disease. Therefore, it has been classified as a Variant of Uncertain Significance. Algorithms developed to predict the effect of missense changes on protein structure and function (SIFT, PolyPhen-2, Align-GVGD) all suggest that this variant is likely to be tolerated. ClinVar contains an entry for this variant (Variation ID: 1035630). This variant is not present in population databases (gnomAD no frequency). This sequence change replaces serine, which is neutral and polar, with glycine, which is neutral and non-polar, at codon 332 of the BBS2 protein (p.Ser332Gly).

NM_031885.5(BBS2):c.994A>G (p.Ser332Gly)

Gene: BBS2 (Bardet-Biedl syndrome 2; minus strand). Cytogenetic location: 16q13.
Variant type: single nucleotide variant.
Coding change: c.994A>G on transcript NM_031885.5 (MANE Select); coding-DNA position 994, A replaced by G.
Protein change: p.Ser332Gly; replaces serine 332 with glycine.
Molecular consequence: missense variant. On other transcripts: non-coding transcript variant (5).
Genome position (GRCh38, 1-based): chr16:56,502,403, T>C on the plus strand (A>G on the coding strand, the complement: BBS2 is on the minus strand). VCF-style: chr16-56502403-T-C. GRCh37 (hg19) VCF-style: chr16-56536315-T-C.
Other names: c.994A>G, p.Ser332Gly (NM_001377456.1); short protein forms S332G.
Identifiers: ClinVar variation 1035630 (VCV001035630.8), dbSNP rs576081735, ClinGen allele CA395980675.